The following is an entry in ClinVar:

ClinVar aggregate classification (germline): Pathogenic (1 of 4 stars; one submission).

Conditions:
Osteogenesis imperfecta type I (OI1). Also called: Osteogenesis imperfecta type 1; Classic Non-deforming Osteogenesis Imperfecta with Blue Sclerae; Lobstein disease; OI, TYPE I; OSTEOGENESIS IMPERFECTA TARDA; OSTEOGENESIS IMPERFECTA WITH BLUE SCLERAE. Identifiers: Orphanet 216796, Orphanet 666, MedGen C0023931, MONDO:0008146, OMIM 166200. Disease mechanism: loss of function.

Submission:

Labcorp Genetics (formerly Invitae), Labcorp
Classification: Pathogenic for Osteogenesis imperfecta type I. Last evaluated: 2024-10-08. Review status: criteria provided, single submitter. Criteria: Invitae Variant Classification Sherloc (09022015). Collection method: clinical testing. Allele origin: germline.
Comment: This sequence change creates a premature translational stop signal (p.Gly136Trpfs*33) in the COL1A1 gene. It is expected to result in an absent or disrupted protein product. Loss-of-function variants in COL1A1 are known to be pathogenic (PMID: 7942841, 9295084, 9443882). This variant is not present in population databases (gnomAD no frequency). This variant has not been reported in the literature in individuals affected with COL1A1-related conditions. ClinVar contains an entry for this variant (Variation ID: 2011978). For these reasons, this variant has been classified as Pathogenic.

Literature cited by the submitters: PubMed 7942841; PubMed 9295084; PubMed 9443882.

NM_000088.4(COL1A1):c.401dup (p.Gly136fs)

Gene: COL1A1 (collagen type I alpha 1 chain; minus strand). Cytogenetic location: 17q21.33.
Variant type: Duplication.
Coding change: c.401dup on transcript NM_000088.4 (MANE Select); coding-DNA position 401, one base duplicated (T; older notation c.401dupT).
Protein change: p.Gly136fs; shifts the reading frame from glycine 136.
Molecular consequence: frameshift variant.
Genome position (GRCh38, 1-based): chr17:50,199,296, A duplicated on the plus strand (T on the coding strand, the reverse complement: COL1A1 is on the minus strand). VCF-style (leftmost placement, unchanged base first): chr17-50199295-G-GA. GRCh37 (hg19) VCF-style: chr17-48276656-G-GA.
Other names: short protein forms G136fs.
Identifiers: ClinVar variation 2011978 (VCV002011978.4), dbSNP rs2509253904, ClinGen allele CA2580094386.